The following is an entry in ClinVar:

NM_015215.4(CAMTA1):c.511-22_511-19del

Gene: CAMTA1 (calmodulin binding transcription activator 1; plus strand). Cytogenetic location: 1p36.23.
Variant type: Deletion.
Coding change: c.511-22_511-19del on transcript NM_015215.4 (MANE Select); 22 bases into the intron before coding-DNA position 511 through 19 bases into the intron before coding-DNA position 511, 4 bases deleted (CCAG; older notation c.511-22_511-19delCCAG).
Molecular consequence: intron variant.
Genome position (GRCh38, 1-based): chr1:7,640,378-7,640,381, CCAG deleted; deleting any 4 consecutive bases within chr1:7,640,377-7,640,381 gives the same sequence; the c. name uses the placement nearest the transcript's 3' end. VCF-style (leftmost placement, unchanged base first): chr1-7640376-TGCCA-T. GRCh37 (hg19) VCF-style: chr1-7700436-TGCCA-T.
Other names: c.511-22_511-19del (NM_001349609.2, NM_001349610.2); c.421-22_421-19del (NM_001349608.2, NM_001349612.2).
Identifiers: ClinVar variation 932045 (VCV000932045.3), dbSNP rs2095751767, ClinGen allele CA1139655931.

ClinVar aggregate classification (germline): Uncertain significance (1 of 4 stars; one submission).

Conditions:
Cerebellar dysfunction with variable cognitive and behavioral abnormalities (CECBA). Also called: Nonprogressive cerebellar atxia with intellectual disability. Identifiers: Orphanet 314647, MedGen C3553661, MONDO:0013886, OMIM 614756.

Submission:

Centre for Mendelian Genomics, University Medical Centre Ljubljana
Classification: Uncertain significance for Cerebellar dysfunction with variable cognitive and behavioral abnormalities. Last evaluated: 2016-01-01. Review status: criteria provided, single submitter. Criteria: ACMG Guidelines, 2015. Collection method: clinical testing. Allele origin: unknown. Affected: yes.
Comment: This variant was classified as: Uncertain significance. The following ACMG criteria were applied in classifying this variant: PM2,PP3.